The following is an entry in ClinVar:

ClinVar aggregate classification (germline): Uncertain significance (1 of 4 stars; one submission).

Conditions:
Cardiovascular phenotype. Identifiers: MedGen CN230736.

Submission:

Ambry Genetics
Classification: Uncertain significance for Cardiovascular phenotype. Last evaluated: 2025-02-28. Review status: criteria provided, single submitter. Criteria: Ambry Variant Classification Scheme 2023. Collection method: clinical testing. Allele origin: germline.
Comment: The p.E272G variant (also known as c.815A>G), located in coding exon 7 of the PTPN11 gene, results from an A to G substitution at nucleotide position 815. The glutamic acid at codon 272 is replaced by glycine, an amino acid with similar properties. This amino acid position is conserved. In addition, this alteration is predicted to be deleterious by in silico analysis. Based on the available evidence, the clinical significance of this variant remains unclear.

NM_002834.5(PTPN11):c.815A>G (p.Glu272Gly)

Gene: PTPN11 (protein tyrosine phosphatase non-receptor type 11; plus strand). Cytogenetic location: 12q24.13.
Variant type: single nucleotide variant.
Coding change: c.815A>G on transcript NM_002834.5 (MANE Select); coding-DNA position 815, A replaced by G.
Protein change: p.Glu272Gly; replaces glutamic acid 272 with glycine.
Molecular consequence: missense variant.
Genome position (GRCh38, 1-based): chr12:112,473,002, A>G. VCF-style: chr12-112473002-A-G. GRCh37 (hg19) VCF-style: chr12-112910806-A-G.
Other names: c.815A>G, p.Glu272Gly (NM_001330437.2, NM_080601.3); c.812A>G, p.Glu271Gly (NM_001374625.1); short protein forms E271G, E272G.
Identifiers: ClinVar variation 3784975 (VCV003784975.1).